The following is an entry in ClinVar:

ClinVar aggregate classification (germline): Uncertain significance (1 of 4 stars; one submission).

Conditions:
LAMA2-related muscular dystrophy (LAMA2-RD). Also called: Laminin alpha 2-related dystrophy. Identifiers: MedGen C5679788, MONDO:0100228.

Allele frequency attached by ClinVar (database versions not stated): ExAC 0.00001; gnomAD 0.00002 and 0.00003; TOPMed 0.00003.
gnomAD v4.1: 18 of 1,614,042 alleles (0.0011%); highest among the groups gnomAD compares: East Asian, 0.0022%; no homozygotes.

Submission:

Labcorp Genetics (formerly Invitae), Labcorp
Classification: Uncertain significance for LAMA2-related muscular dystrophy. Last evaluated: 2021-09-27. Review status: criteria provided, single submitter. Criteria: Invitae Variant Classification Sherloc (09022015). Collection method: clinical testing. Allele origin: germline.
Comment: This sequence change replaces proline with leucine at codon 579 of the LAMA2 protein (p.Pro579Leu). The proline residue is weakly conserved and there is a moderate physicochemical difference between proline and leucine. This variant is present in population databases (rs769998511, ExAC 0.002%). This variant has not been reported in the literature in individuals with LAMA2-related conditions. Algorithms developed to predict the effect of missense changes on protein structure and function output the following: SIFT: "Tolerated"; PolyPhen-2: "Benign"; Align-GVGD: "Class C0". The leucine amino acid residue is found in multiple mammalian species, suggesting that this missense change does not adversely affect protein function. These predictions have not been confirmed by published functional studies and their clinical significance is uncertain. In summary, the available evidence is currently insufficient to determine the role of this variant in disease. Therefore, it has been classified as a Variant of Uncertain Significance.

NM_000426.4(LAMA2):c.1736C>T (p.Pro579Leu)

Gene: LAMA2 (laminin subunit alpha 2; plus strand). Cytogenetic location: 6q22.33.
Variant type: single nucleotide variant.
Coding change: c.1736C>T on transcript NM_000426.4 (MANE Select); coding-DNA position 1736, C replaced by T.
Protein change: p.Pro579Leu; replaces proline 579 with leucine.
Molecular consequence: missense variant.
Genome position (GRCh38, 1-based): chr6:129,192,807, C>T. VCF-style: chr6-129192807-C-T. GRCh37 (hg19) VCF-style: chr6-129513952-C-T.
Other names: c.1736C>T, p.Pro579Leu (NM_001079823.2); short protein forms P579L.
Identifiers: ClinVar variation 1423475 (VCV001423475.3), dbSNP rs769998511, ClinGen allele CA3992714.